The following is an entry in ClinVar:

ClinVar aggregate classification (germline): Uncertain significance. Review status: criteria provided, multiple submitters, no conflicts (2 of 4 stars). 2 submissions from 2 submitters: Uncertain significance (2). Last evaluated 2026-07-08.

Conditions:
Inborn genetic diseases. Identifiers: MedGen C0950123, MeSH D030342.

Allele frequency attached by ClinVar (database versions not stated): TOPMed below 0.00001.

Submissions (2):

Ambry Genetics
Classification: Uncertain significance for Inborn genetic diseases. Last evaluated: 2026-07-08. Review status: criteria provided, single submitter. Criteria: Ambry Variant Classification Scheme 2023. Collection method: clinical testing. Allele origin: germline.

Greenwood Genetic Center Diagnostic Laboratories, Greenwood Genetic Center
Classification: Uncertain significance. Last evaluated: 2023-02-09. Review status: criteria provided, single submitter. Criteria: ACMG Guidelines, 2015. Collection method: clinical testing. Allele origin: germline. Affected: yes.
Comment: PM2

NM_004818.3(DDX23):c.877C>T (p.Arg293Trp)

Gene: DDX23 (DEAD-box helicase 23; minus strand). Cytogenetic location: 12q13.12.
Variant type: single nucleotide variant.
Coding change: c.877C>T on transcript NM_004818.3 (MANE Select); coding-DNA position 877, C replaced by T.
Protein change: p.Arg293Trp; replaces arginine 293 with tryptophan.
Molecular consequence: missense variant.
Genome position (GRCh38, 1-based): chr12:48,837,027, G>A on the plus strand (C>T on the coding strand, the complement: DDX23 is on the minus strand). VCF-style: chr12-48837027-G-A. GRCh37 (hg19) VCF-style: chr12-49230810-G-A.
Other names: c.877C>T (NM_004818.2); short protein forms R293W.
Identifiers: ClinVar variation 2505278 (VCV002505278.2), dbSNP rs1938475310, ClinGen allele CA384676792.